The following is an entry in ClinVar:

ClinVar aggregate classification (germline): Uncertain significance (1 of 4 stars; one submission).

Submission:

Labcorp Genetics (formerly Invitae), Labcorp
Classification: Uncertain significance. Last evaluated: 2023-08-17. Review status: criteria provided, single submitter. Criteria: Invitae Variant Classification Sherloc (09022015). Collection method: clinical testing. Allele origin: germline.
Comment: This sequence change replaces isoleucine, which is neutral and non-polar, with asparagine, which is neutral and polar, at codon 216 of the KCNV2 protein (p.Ile216Asn). In summary, the available evidence is currently insufficient to determine the role of this variant in disease. Therefore, it has been classified as a Variant of Uncertain Significance. Advanced modeling of protein sequence and biophysical properties (such as structural, functional, and spatial information, amino acid conservation, physicochemical variation, residue mobility, and thermodynamic stability) performed at Invitae indicates that this missense variant is not expected to disrupt KCNV2 protein function. ClinVar contains an entry for this variant (Variation ID: 1963955). This variant has not been reported in the literature in individuals affected with KCNV2-related conditions. This variant is not present in population databases (gnomAD no frequency).

NM_133497.4(KCNV2):c.647T>A (p.Ile216Asn)

Gene: KCNV2 (potassium voltage-gated channel modifier subfamily V member 2; plus strand). Cytogenetic location: 9p24.2.
Variant type: single nucleotide variant.
Coding change: c.647T>A on transcript NM_133497.4 (MANE Select); coding-DNA position 647, T replaced by A.
Protein change: p.Ile216Asn; replaces isoleucine 216 with asparagine.
Molecular consequence: missense variant.
Genome position (GRCh38, 1-based): chr9:2,718,386, T>A. VCF-style: chr9-2718386-T-A. GRCh37 (hg19) VCF-style: chr9-2718386-T-A.
Other names: short protein forms I216N.
Identifiers: ClinVar variation 1963955 (VCV001963955.5), dbSNP rs558295858, ClinGen allele CA372798598.